The following is an entry in ClinVar:

NM_001852.4(COL9A2):c.1675G>T (p.Gly559Ter)

Gene: COL9A2 (collagen type IX alpha 2 chain; minus strand). Cytogenetic location: 1p34.2.
Variant type: single nucleotide variant.
Coding change: c.1675G>T on transcript NM_001852.4 (MANE Select); coding-DNA position 1675, G replaced by T.
Protein change: p.Gly559Ter; replaces glycine 559 with a stop codon.
Molecular consequence: nonsense.
Genome position (GRCh38, 1-based): chr1:40,302,738, C>A on the plus strand (G>T on the coding strand, the complement: COL9A2 is on the minus strand). VCF-style: chr1-40302738-C-A. GRCh37 (hg19) VCF-style: chr1-40768410-C-A.
Other names: short protein forms G559*.
Identifiers: ClinVar variation 1493354 (VCV001493354.6), dbSNP rs2124040785, ClinGen allele CA339876537.

ClinVar aggregate classification (germline): Pathogenic (1 of 4 stars; one submission).

Submission:

Labcorp Genetics (formerly Invitae), Labcorp
Classification: Pathogenic. Last evaluated: 2022-02-18. Review status: criteria provided, single submitter. Criteria: Invitae Variant Classification Sherloc (09022015). Collection method: clinical testing. Allele origin: germline.
Comment: This sequence change creates a premature translational stop signal (p.Gly559*) in the COL9A2 gene. It is expected to result in an absent or disrupted protein product. Loss-of-function variants in COL9A2 are known to be pathogenic (PMID: 21671392, 33356723). This variant is not present in population databases (gnomAD no frequency). This variant has not been reported in the literature in individuals affected with COL9A2-related conditions. For these reasons, this variant has been classified as Pathogenic.

Literature cited by the submitters: PubMed 21671392; PubMed 33356723.